The following is an entry in ClinVar:

NM_006979.3(SLC39A7):c.1351G>T (p.Glu451Ter)

Gene: SLC39A7 (solute carrier family 39 member 7; plus strand). Cytogenetic location: 6p21.32.
Variant type: single nucleotide variant.
Coding change: c.1351G>T on transcript NM_006979.3 (MANE Select); coding-DNA position 1351, G replaced by T.
Protein change: p.Glu451Ter; replaces glutamic acid 451 with a stop codon.
Molecular consequence: nonsense.
Genome position (GRCh38, 1-based): chr6:33,203,754, G>T. VCF-style: chr6-33203754-G-T. GRCh37 (hg19) VCF-style: chr6-33171531-G-T.
Other names: c.1351G>T, p.Glu451Ter (NM_001077516.2); c.976G>T, p.Glu326Ter (NM_001288777.2); short protein forms E326*, E451*.
Identifiers: ClinVar variation 2907364 (VCV002907364.3), dbSNP rs2535795722, ClinGen allele CA363651585.

ClinVar aggregate classification (germline): Uncertain significance (1 of 4 stars; one submission).

Submission:

Labcorp Genetics (formerly Invitae), Labcorp
Classification: Uncertain significance. Last evaluated: 2023-06-10. Review status: criteria provided, single submitter. Criteria: Invitae Variant Classification Sherloc (09022015). Collection method: clinical testing. Allele origin: germline.
Comment: In summary, the available evidence is currently insufficient to determine the role of this variant in disease. Therefore, it has been classified as a Variant of Uncertain Significance. This premature translational stop signal has been observed in individual(s) with clinical features of agammaglobulinemia (PMID: 30718914). This variant is not present in population databases (gnomAD no frequency). This sequence change creates a premature translational stop signal (p.Glu451*) in the SLC39A7 gene. While this is not anticipated to result in nonsense mediated decay, it is expected to disrupt the last 19 amino acid(s) of the SLC39A7 protein.

Literature cited by the submitters: PubMed 30718914.